The following is an entry in ClinVar:

ClinVar aggregate classification (germline): Uncertain significance. Review status: criteria provided, multiple submitters, no conflicts (2 of 4 stars). 2 submissions from 2 submitters: Uncertain significance (2). Last evaluated 2025-05-15.

Conditions:
Hereditary cancer-predisposing syndrome. Also called: Tumor predisposition; Neoplastic Syndromes, Hereditary; Hereditary Cancer Syndrome; Hereditary neoplastic syndrome. Identifiers: Orphanet 140162, MedGen C0027672, MeSH D009386, MONDO:0015356.
Paragangliomas with sensorineural hearing loss. Identifiers: MedGen C1868633.
Cowden syndrome 3 (CWS3). Identifiers: Orphanet 201, MedGen CN166604, MONDO:0014045.
Pheochromocytoma. Also called: MAX-Related Hereditary Paraganglioma-Pheochromocytoma Syndrome. Identifiers: Orphanet 29072, MedGen C0031511, MONDO:0008233, OMIM 171300, HP:0002666.
Carney-Stratakis syndrome. Also called: PARAGANGLIOMA AND GASTROINTESTINAL STROMAL TUMOR. Identifiers: Orphanet 97286, MedGen C1847319, MONDO:0011740, OMIM 606864.

Submissions (2):

Ambry Genetics
Classification: Uncertain significance for Hereditary cancer-predisposing syndrome. Last evaluated: 2025-05-15. Review status: criteria provided, single submitter. Criteria: Ambry Variant Classification Scheme 2023. Collection method: clinical testing. Allele origin: germline.
Comment: The p.S57F variant (also known as c.170C>T) is located in coding exon 3 of the SDHD gene. The serine at codon 57 is replaced by phenylalanine, an amino acid with highly dissimilar properties. This change occurs in the first base pair of coding exon 3. This amino acid position is conserved. In addition, this alteration is predicted to be deleterious by in silico analysis. Based on the available evidence, the clinical significance of this variant remains unclear.

Labcorp Genetics (formerly Invitae), Labcorp
Classification: Uncertain significance for Carney-Stratakis syndrome; Paragangliomas with sensorineural hearing loss; Pheochromocytoma; Cowden syndrome 3. Last evaluated: 2021-07-26. Review status: criteria provided, single submitter. Criteria: Invitae Variant Classification Sherloc (09022015). Collection method: clinical testing. Allele origin: germline.
Comment: In summary, the available evidence is currently insufficient to determine the role of this variant in disease. Therefore, it has been classified as a Variant of Uncertain Significance. Algorithms developed to predict the effect of sequence changes on RNA splicing suggest that this variant may disrupt the consensus splice site. Algorithms developed to predict the effect of missense changes on protein structure and function are either unavailable or do not agree on the potential impact of this missense change (SIFT: "Deleterious"; PolyPhen-2: "Possibly Damaging"; Align-GVGD: "Class C15"). This variant has not been reported in the literature in individuals affected with SDHD-related conditions. This variant is not present in population databases (ExAC no frequency). This sequence change replaces serine with phenylalanine at codon 57 of the SDHD protein (p.Ser57Phe). The serine residue is moderately conserved and there is a large physicochemical difference between serine and phenylalanine.

NM_003002.4(SDHD):c.170C>T (p.Ser57Phe)

Gene: SDHD (succinate dehydrogenase complex subunit D; plus strand). Cytogenetic location: 11q23.1.
Variant type: single nucleotide variant.
Coding change: c.170C>T on transcript NM_003002.4 (MANE Select); coding-DNA position 170, C replaced by T.
Protein change: p.Ser57Phe; replaces serine 57 with phenylalanine.
Molecular consequence: missense variant. On other transcripts: non-coding transcript variant (1), intron variant (1).
Genome position (GRCh38, 1-based): chr11:112,088,867, C>T. VCF-style: chr11-112088867-C-T. GRCh37 (hg19) VCF-style: chr11-111959591-C-T.
Other names: c.53C>T, p.Ala18Val (NM_001276504.2); c.170C>T, p.Ser57Phe (NM_001276506.2); c.169+894C>T (NM_001276503.2); c.170C>T (NM_003002.2); short protein forms S57F, A18V.
Identifiers: ClinVar variation 1381074 (VCV001381074.9), dbSNP rs2135269128, ClinGen allele CA382617152.